The following is an entry in ClinVar:

ClinVar aggregate classification (germline): Likely benign. Review status: criteria provided, multiple submitters, no conflicts (2 of 4 stars). 2 submissions from 2 submitters: Likely benign (2). Last evaluated 2025-01-01.

Allele frequency attached by ClinVar (database versions not stated): TOPMed 0.00001; ExAC 0.00002; gnomAD exomes 0.00001.
gnomAD v4.1: 9 of 1,614,232 alleles (0.00056%); highest among the groups gnomAD compares: Admixed American, 0.005%; no homozygotes.

Submissions (2):

CeGaT Center for Human Genetics Tuebingen
Classification: Likely benign. Last evaluated: 2025-01-01. Review status: criteria provided, single submitter. Criteria: CeGaT Center For Human Genetics Tuebingen Variant Classification Criteria Version 2. Collection method: clinical testing. Allele origin: germline. Affected: yes. Observed: 1 variant allele.
Comment: SON: BP4, BP7

Labcorp Genetics (formerly Invitae), Labcorp
Classification: Likely benign. Last evaluated: 2023-12-28. Review status: criteria provided, single submitter. Criteria: Invitae Variant Classification Sherloc (09022015). Collection method: clinical testing. Allele origin: germline.

NM_138927.4(SON):c.1008G>A (p.Ala336=)

Gene: SON (SON DNA and RNA binding protein; plus strand). Cytogenetic location: 21q22.11.
Variant type: single nucleotide variant.
Coding change: c.1008G>A on transcript NM_138927.4 (MANE Select); coding-DNA position 1008, G replaced by A.
Protein change: p.Ala336=; no amino-acid change (alanine 336 retained).
Molecular consequence: synonymous variant. On other transcripts: non-coding transcript variant (1), intron variant (1).
Genome position (GRCh38, 1-based): chr21:33,550,239, G>A. VCF-style: chr21-33550239-G-A. GRCh37 (hg19) VCF-style: chr21-34922545-G-A.
Other names: c.1008G>A, p.Ala336= (NM_001291411.2, NM_001412133.1, NM_032195.3 and 2 more transcripts); c.244+3860G>A (NM_001291412.3).
Identifiers: ClinVar variation 2982367 (VCV002982367.16), dbSNP rs748471391, ClinGen allele CA10008791.